The following is an entry in ClinVar:

ClinVar aggregate classification (germline): Uncertain significance. Review status: criteria provided, single submitter (1 of 4 stars). 2 submissions from 2 submitters: Uncertain significance (1). 1 of the submissions does not count toward it. Last evaluated 2022-02-08.

Conditions:
Neuronal ceroid lipofuscinosis. Also called: Neuronal Ceroid Lipofuscinoses. Identifiers: Orphanet 216, Orphanet 79263, MedGen C0027877, MONDO:0016295. Disease mechanism: loss of function.

Allele frequency attached by ClinVar (database versions not stated): gnomAD 0.00001; gnomAD exomes 0.00001; TOPMed 0.00001; ExAC 0.00002.
gnomAD v4.1: 3 of 1,613,514 alleles (0.00019%); highest among the groups gnomAD compares: African/African-American, 0.0013%; no homozygotes.

Submissions (2):

Labcorp Genetics (formerly Invitae), Labcorp
Classification: Uncertain significance for Neuronal ceroid lipofuscinosis. Last evaluated: 2022-02-08. Review status: criteria provided, single submitter. Criteria: Invitae Variant Classification Sherloc (09022015). Collection method: clinical testing. Allele origin: germline.
Comment: This sequence change replaces serine, which is neutral and polar, with tyrosine, which is neutral and polar, at codon 104 of the CLN6 protein (p.Ser104Tyr). This variant is present in population databases (rs777921628, gnomAD 0.0009%). This variant has not been reported in the literature in individuals affected with CLN6-related conditions. ClinVar contains an entry for this variant (Variation ID: 559017). Algorithms developed to predict the effect of missense changes on protein structure and function are either unavailable or do not agree on the potential impact of this missense change (SIFT: "Deleterious"; PolyPhen-2: "Possibly Damaging"; Align-GVGD: "Class C15"). In summary, the available evidence is currently insufficient to determine the role of this variant in disease. Therefore, it has been classified as a Variant of Uncertain Significance.

Mayo Clinic Laboratories, Mayo Clinic
Classification: Uncertain significance. Last evaluated: 2017-09-06. Review status: no assertion criteria provided. Collection method: clinical testing. Allele origin: unknown. Not counted in ClinVar's aggregate classification.

NM_017882.3(CLN6):c.311C>A (p.Ser104Tyr)

Gene: CLN6 (CLN6 transmembrane ER protein; minus strand). Cytogenetic location: 15q23.
Variant type: single nucleotide variant.
Coding change: c.311C>A on transcript NM_017882.3 (MANE Select); coding-DNA position 311, C replaced by A.
Protein change: p.Ser104Tyr; replaces serine 104 with tyrosine.
Molecular consequence: missense variant.
Genome position (GRCh38, 1-based): chr15:68,211,850, G>T on the plus strand (C>A on the coding strand, the complement: CLN6 is on the minus strand). VCF-style: chr15-68211850-G-T. GRCh37 (hg19) VCF-style: chr15-68504188-G-T.
Other names: short protein forms S104Y.
Identifiers: ClinVar variation 559017 (VCV000559017.10), dbSNP rs777921628, ClinGen allele CA7630627.
Genomic context (GRCh38, chr15:68,211,850, plus strand): 5'-GCACCCATGATGAAGATGATGATGCTCACGTACGTGATGGAGCGTGGCAGGGTGCGGGGG[G>T]ACCGCTCGATGAGCTGGGGTTCAGAGTGGGGTTGGCAGCATGACCCCACCTCTGTCACAG-3'
Protein context (NP_060352.1, residues 94-114): PFLLLKLIER[Ser104Tyr]PRTLPRSITY